The following is an entry in ClinVar:

NM_005199.5(CHRNG):c.401_402del (p.Pro134fs)

Gene: CHRNG (cholinergic receptor nicotinic gamma subunit; plus strand). Cytogenetic location: 2q37.1.
Variant type: Deletion.
Coding change: c.401_402del on transcript NM_005199.5 (MANE Select); coding-DNA positions 401 to 402, 2 bases deleted (CT; older notation c.401_402delCT).
Protein change: p.Pro134fs; shifts the reading frame from proline 134.
Molecular consequence: frameshift variant.
Genome position (GRCh38, 1-based): chr2:232,541,424-232,541,425, CT deleted. VCF-style (leftmost placement, unchanged base first): chr2-232541423-CCT-C. GRCh37 (hg19) VCF-style: chr2-233406133-CCT-C.
Other names: c.401_402delCT (NM_005199.4); short protein forms P134fs.
Identifiers: ClinVar variation 419026 (VCV000419026.21), dbSNP rs747067203, ClinGen allele CA2168652.

ClinVar aggregate classification (germline): Pathogenic. Review status: criteria provided, multiple submitters, no conflicts (2 of 4 stars). 12 submissions from 11 submitters: Pathogenic (12). Last evaluated 2026-09-17.

Conditions:
CHRNG-related disorder. Also called: CHRNG-related disorders; CHRNG-related condition.
Inborn genetic diseases. Identifiers: MedGen C0950123, MeSH D030342.
Lethal multiple pterygium syndrome (LMPS). Identifiers: Orphanet 33108, MedGen C1854678, MONDO:0009668, OMIM 253290.
Autosomal recessive multiple pterygium syndrome. Also called: MULTIPLE PTERYGIUM SYNDROME, ESCOBAR VARIANT; PTERYGIUM COLLI SYNDROME; PTERYGIUM SYNDROME; PTERYGIUM UNIVERSALE. Identifiers: Orphanet 2990, MedGen C0265261, MONDO:0009926, OMIM 265000.

Allele frequency attached by ClinVar (database versions not stated): ESP Exome Variant Server 0.00008; gnomAD exomes 0.00008 and 0.00009; TOPMed 0.00008; ExAC 0.00010; gnomAD 0.00010 and 0.00011.

Submissions (12):

PreventionGenetics, part of Exact Sciences
Classification: Pathogenic for CHRNG-related condition. Last evaluated: 2026-09-17. Review status: criteria provided, single submitter. Criteria: ACMG Guidelines, 2015. Collection method: clinical testing. Allele origin: germline.
Comment: The CHRNG c.401_402delCT variant is predicted to result in a frameshift and premature protein termination (p.Pro134Argfs*43). This variant has been reported in the homozygous or compound heterozygous states in three patients with nonlethal Escobar variant of multiple pterygium syndrome (EVMPS) (Morgan et al. 2006. PubMed ID: 16826531; Kariminejad et al. 2016. PubMed ID: 27245440; Dahan-Oliel et al. 2021. PubMed ID: 34440395). This variant is reported in 0.011% of alleles in individuals of Latino descent in gnomAD. Frameshift variants in CHRNG are expected to be pathogenic. This variant is interpreted as pathogenic.

Labcorp Genetics (formerly Invitae), Labcorp
Classification: Pathogenic. Last evaluated: 2024-02-26. Review status: criteria provided, single submitter. Criteria: Invitae Variant Classification Sherloc (09022015). Collection method: clinical testing. Allele origin: germline.
Comment: This sequence change creates a premature translational stop signal (p.Pro134Argfs*43) in the CHRNG gene. It is expected to result in an absent or disrupted protein product. Loss-of-function variants in CHRNG are known to be pathogenic (PMID: 16826520). This variant is present in population databases (rs747067203, gnomAD 0.01%). This premature translational stop signal has been observed in individual(s) with multiple pterygium syndrome (PMID: 16826531, 27245440). This variant is also known as p.Pro134fs43Ter. ClinVar contains an entry for this variant (Variation ID: 419026). For these reasons, this variant has been classified as Pathogenic.

Blueprint Genetics
Classification: Pathogenic for CHRNG-related disorders. Last evaluated: 2023-10-24. Review status: criteria provided, single submitter. Criteria: ACMG Guidelines, 2015. Collection method: clinical testing. Allele origin: germline. Affected: yes. Observed: 4 variant alleles.

Baylor Genetics
Classification: Pathogenic for Autosomal recessive multiple pterygium syndrome. Last evaluated: 2023-04-15. Review status: criteria provided, single submitter. Criteria: ACMG Guidelines, 2015. Collection method: clinical testing. Allele origin: unknown.

Baylor Genetics
Classification: Pathogenic for Lethal multiple pterygium syndrome. Last evaluated: 2023-04-10. Review status: criteria provided, single submitter. Criteria: ACMG Guidelines, 2015. Collection method: clinical testing. Allele origin: unknown.

GeneDx
Classification: Pathogenic. Last evaluated: 2022-11-18. Review status: criteria provided, single submitter. Criteria: GeneDx Variant Classification Process June 2021. Collection method: clinical testing. Allele origin: germline. Affected: yes.
Comment: Frameshift variant predicted to result in protein truncation or nonsense mediated decay in a gene for which loss-of-function is a known mechanism of disease; Not observed at a significant frequency in large population cohorts (gnomAD); This variant is associated with the following publications: (PMID: 34440395, 27245440, 31589614, 16826531)

Clinical Genetics Laboratory, Skane University Hospital Lund
Classification: Pathogenic. Last evaluated: 2022-05-27. Review status: criteria provided, single submitter. Criteria: ACMG Guidelines, 2015. Collection method: clinical testing. Allele origin: germline. Affected: yes.

Fulgent Genetics
Classification: Pathogenic for Lethal multiple pterygium syndrome; Autosomal recessive multiple pterygium syndrome. Last evaluated: 2021-10-29. Review status: criteria provided, single submitter. Criteria: ACMG Guidelines, 2015. Collection method: clinical testing. Allele origin: unknown.

Ambry Genetics
Classification: Pathogenic for Inborn genetic diseases. Last evaluated: 2019-09-12. Review status: criteria provided, single submitter. Criteria: Ambry exome assertion method (8-5-2015). Collection method: clinical testing. Allele origin: germline. Affected: yes. Observed: 1 variant allele.

Rady Children's Institute for Genomic Medicine, Rady Children's Hospital San Diego
Classification: Pathogenic for MULTIPLE PTERYGIUM SYNDROME, ESCOBAR VARIANT. Last evaluated: 2018-08-09. Review status: criteria provided, single submitter. Criteria: ACMG Guidelines, 2015. Collection method: clinical testing. Allele origin: germline. Affected: yes. Observed: 1 variant allele.
Comment: This frameshifting variant in exon 5 of 12 introduces a premature stop codon and is therefore predicted to result in loss of normal protein function. This variant has been previously reported as a homozygous change in patients with Escobar Variant Multiple Pterygium Syndrome (EVMPS) (PMID: 16826531, 27245440). This alteration is present in the gnomAD population database at a frequency of 0.0079% (22/277144) and thus is presumed to be rare. Based on the available evidence, the c.401_402delCT (p.Pro134ArgfsTer43) variant is classified as pathogenic.

Molecular Diagnostics Lab, Nemours Children's Health, Delaware
Classification: Pathogenic for Autosomal recessive multiple pterygium syndrome. Last evaluated: 2016-01-04. Review status: criteria provided, single submitter. Criteria: ACMG Guidelines, 2015. Collection method: clinical testing. Allele origin: unknown. Affected: yes. Observed: 1 heterozygote.

Juno Genomics, Hangzhou Juno Genomics, Inc
Classification: Pathogenic for Autosomal recessive multiple pterygium syndrome; Lethal multiple pterygium syndrome. Review status: criteria provided, single submitter. Criteria: ACMG Guidelines, 2015. Collection method: clinical testing. Allele origin: germline. Affected: yes.
Comment: Absent from controls (or at extremely low frequency if recessive) in Genome Aggregation Database, Exome Sequencing Project, 1000 Genomes Project, or Exome Aggregation Consortium.;Null variant in a gene where loss of function (LOF) is a known mechanism of disease.;For recessive disorders, detected in trans with a pathogenic variant.;Patient's phenotype or family history is highly specific for a disease with a single genetic etiology.

Literature cited by the submitters: PubMed 16826520 (cited by Labcorp Genetics (formerly Invitae), Labcorp); PubMed 16826531 (cited by Labcorp Genetics (formerly Invitae), Labcorp and Ambry Genetics); PubMed 27245440 (cited by Labcorp Genetics (formerly Invitae), Labcorp and Ambry Genetics); PubMed 25326635 (cited by Baylor Genetics).